The following is an entry in ClinVar:

ClinVar aggregate classification (germline): Uncertain significance. Review status: criteria provided, multiple submitters, no conflicts (2 of 4 stars). 6 submissions from 6 submitters: Uncertain significance (5). 1 of the submissions does not count toward it. Last evaluated 2024-01-02.

Conditions:
Cohen syndrome (COH1). Also called: PEPPER SYNDROME; Cutis verticis gyrata, retinitis pigmentosa, and sensorineural deafness. Identifiers: Orphanet 193, MedGen C0265223, MONDO:0008999, OMIM 216550.
VPS13B-related disorder. Also called: VPS13B-related condition.
Inborn genetic diseases. Identifiers: MedGen C0950123, MeSH D030342.

Allele frequency attached by ClinVar (database versions not stated): gnomAD 0.00001; TOPMed 0.00003.
gnomAD v4.1: 65 of 1,614,114 alleles (0.004%); highest among the groups gnomAD compares: Non-Finnish European, 0.0048%; no homozygotes.

Submissions (6):

St. Jude Molecular Pathology, St. Jude Children's Research Hospital
Classification: Uncertain significance for Cohen syndrome. Last evaluated: 2024-01-02. Review status: criteria provided, single submitter. Criteria: St. Jude Assertion Criteria 2020. Collection method: clinical testing. Allele origin: germline.
Comment: The VPS13B c.10384C>T (p.Leu3462Phe) missense change has a maximum subpopulation frequency of 0.0062% in gnomAD v2.1.1. The in silico tool REVEL predicts a benign effect of this variant on protein function, but to our knowledge functional studies have not been performed. To our knowledge, this variant has not been reported in individuals with Cohen syndrome. In summary, the evidence currently available is insufficient to determine the clinical significance of this variant. It has therefore been classified as of uncertain significance.

Ambry Genetics
Classification: Uncertain significance for Inborn genetic diseases. Last evaluated: 2023-05-24. Review status: criteria provided, single submitter. Criteria: Ambry Variant Classification Scheme 2023. Collection method: clinical testing. Allele origin: germline.

Labcorp Genetics (formerly Invitae), Labcorp
Classification: Uncertain significance for Cohen syndrome. Last evaluated: 2022-10-13. Review status: criteria provided, single submitter. Criteria: Invitae Variant Classification Sherloc (09022015). Collection method: clinical testing. Allele origin: germline.
Comment: This sequence change replaces leucine, which is neutral and non-polar, with phenylalanine, which is neutral and non-polar, at codon 3487 of the VPS13B protein (p.Leu3487Phe). This variant is present in population databases (no rsID available, gnomAD 0.007%). This variant has not been reported in the literature in individuals affected with VPS13B-related conditions. ClinVar contains an entry for this variant (Variation ID: 361089). Advanced modeling of protein sequence and biophysical properties (such as structural, functional, and spatial information, amino acid conservation, physicochemical variation, residue mobility, and thermodynamic stability) performed at Invitae indicates that this missense variant is not expected to disrupt VPS13B protein function. In summary, the available evidence is currently insufficient to determine the role of this variant in disease. Therefore, it has been classified as a Variant of Uncertain Significance.

Illumina Laboratory Services, Illumina
Classification: Uncertain significance for Cohen syndrome. Last evaluated: 2018-01-13. Review status: criteria provided, single submitter. Criteria: ICSL Variant Classification Criteria 13 December 2019. Collection method: clinical testing. Allele origin: germline.

Genetic Services Laboratory, University of Chicago
Classification: Uncertain significance. Last evaluated: 2015-09-08. Review status: criteria provided, single submitter. Criteria: ACMG Guidelines, 2015. Collection method: clinical testing. Allele origin: germline. Affected: no.

PreventionGenetics, part of Exact Sciences
Classification: Uncertain significance for VPS13B-related condition. Last evaluated: 2023-12-20. Review status: no assertion criteria provided. Collection method: clinical testing. Allele origin: germline. Not counted in ClinVar's aggregate classification.
Comment: The VPS13B c.10384C>T variant is predicted to result in the amino acid substitution p.Leu3462Phe. To our knowledge, this variant has not been reported in the literature. This variant is reported in 0.0062% of alleles in individuals of African descent in gnomAD. At this time, the clinical significance of this variant is uncertain due to the absence of conclusive functional and genetic evidence.

NM_152564.5(VPS13B):c.10384C>T (p.Leu3462Phe)

Gene: VPS13B (vacuolar protein sorting 13 homolog B; plus strand). Cytogenetic location: 8q22.2.
Variant type: single nucleotide variant.
Coding change: c.10384C>T on transcript NM_152564.5 (MANE Select); coding-DNA position 10384, C replaced by T.
Protein change: p.Leu3462Phe; replaces leucine 3462 with phenylalanine.
Molecular consequence: missense variant.
Genome position (GRCh38, 1-based): chr8:99,853,773, C>T. VCF-style: chr8-99853773-C-T. GRCh37 (hg19) VCF-style: chr8-100866001-C-T.
Other names: c.10459C>T, p.Leu3487Phe (NM_017890.5); c.10459C>T (NM_017890.3); c.10384C>T (NM_152564.4); short protein forms L3462F, L3487F.
Identifiers: ClinVar variation 361089 (VCV000361089.16), dbSNP rs761972356, ClinGen allele CA10628543.